The following is an entry in ClinVar:

ClinVar aggregate classification (germline): Likely pathogenic (1 of 4 stars; one submission).

Conditions:
Canavan Disease, Familial Form. Identifiers: MedGen C0751663.

Submission:

Women's Health and Genetics/Laboratory Corporation of America, LabCorp
Classification: Likely pathogenic for Canavan Disease, Familial Form. Last evaluated: 2024-05-16. Review status: criteria provided, single submitter. Criteria: LabCorp Variant Classification Summary - May 2015. Collection method: clinical testing. Allele origin: germline.
Comment: Variant summary: ASPA c.340G>A (p.Asp114Asn) results in a conservative amino acid change in the encoded protein sequence. Four of five in-silico tools predict a damaging effect of the variant on protein function. The variant was absent in 251056 control chromosomes (gnomAD). To our knowledge, no occurrence of c.340G>A in individuals affected with Canavan Disease and no experimental evidence demonstrating its impact on protein function have been reported. Different variants affecting the same codon have been classified as pathogenic by our lab and in ClinVar (c.340G>T, c.342C>A), supporting the critical relevance of codon 114 to ASPA protein function. No submitters have cited clinical-significance assessments for this variant to ClinVar. Based on the evidence outlined above, the variant was classified as likely pathogenic.

NM_000049.4(ASPA):c.340G>A (p.Asp114Asn)

Genes: ASPA (aspartoacylase; plus strand), SPATA22 (spermatogenesis associated 22; minus strand). Cytogenetic location: 17p13.2.
Variant type: single nucleotide variant.
Coding change: c.340G>A on transcript NM_000049.4 (MANE Select); coding-DNA position 340, G replaced by A.
Protein change: p.Asp114Asn; replaces aspartic acid 114 with asparagine.
Molecular consequence: missense variant. On other transcripts: intron variant (2).
Genome position (GRCh38, 1-based): chr17:3,481,706, G>A. VCF-style: chr17-3481706-G-A. GRCh37 (hg19) VCF-style: chr17-3385000-G-A.
Other names: c.340G>A, p.Asp114Asn (NM_001128085.1); c.-73-12308C>T (NM_001321336.2, NM_001321337.2); short protein forms D114N.
Identifiers: ClinVar variation 3336543 (VCV003336543.1).